The following is an entry in ClinVar:

NM_004082.5(DCTN1):c.3209G>A (p.Arg1070Gln)

Gene: DCTN1 (dynactin subunit 1; minus strand). Cytogenetic location: 2p13.1.
Variant type: single nucleotide variant.
Coding change: c.3209G>A on transcript NM_004082.5 (MANE Select); coding-DNA position 3209, G replaced by A.
Protein change: p.Arg1070Gln; replaces arginine 1070 with glutamine.
Molecular consequence: missense variant. On other transcripts: intron variant (3).
Genome position (GRCh38, 1-based): chr2:74,363,616, C>T on the plus strand (G>A on the coding strand, the complement: DCTN1 is on the minus strand). VCF-style: chr2-74363616-C-T. GRCh37 (hg19) VCF-style: chr2-74590743-C-T.
Other names: c.3188G>A, p.Arg1063Gln (NM_001190837.2); c.3158G>A, p.Arg1053Gln (NM_001378991.1); c.3140G>A, p.Arg1047Gln (NM_001378992.1); c.2807G>A, p.Arg936Gln (NM_023019.4); c.3086-189G>A (NM_001190836.2); c.3137-189G>A (NM_001135040.3); c.2795-189G>A (NM_001135041.3); short protein forms R1047Q, R1053Q, R936Q, R1070Q, R1063Q.
Identifiers: ClinVar variation 2928388 (VCV002928388.3), dbSNP rs747334304, ClinGen allele CA1721575.

ClinVar aggregate classification (germline): Uncertain significance (1 of 4 stars; one submission).

Conditions:
Amyotrophic lateral sclerosis type 1 (ALS1). Also called: AMYOTROPHIC LATERAL SCLEROSIS 1, FAMILIAL. Identifiers: Orphanet 803, MedGen C1862939, MONDO:0007103, OMIM 105400.
Neuronopathy, distal hereditary motor, type 7B. Also called: NEURONOPATHY, DISTAL HEREDITARY MOTOR, AUTOSOMAL DOMINANT 14; NEURONOPATHY, DISTAL HEREDITARY MOTOR, HARDING TYPE VIIB; NEUROPATHY, DISTAL HEREDITARY MOTOR, HARDING TYPE VIIB; NEUROPATHY, DISTAL HEREDITARY MOTOR, WITH VOCAL CORD PARALYSIS, HARDING TYPE VIIB; Distal Hereditary Motor Neuronopathy Type 7B (dHMN7B); HMN VIIB. Identifiers: Orphanet 139589, MedGen C1843315, MONDO:0011879, OMIM 607641.
Perry syndrome. Also called: PARKINSONISM WITH ALVEOLAR HYPOVENTILATION AND MENTAL DEPRESSION. Identifiers: Orphanet 178509, MedGen C1868594, MONDO:0008201, OMIM 168605.

gnomAD v4.1: 15 of 1,613,616 alleles (0.00093%); highest among the groups gnomAD compares: Middle Eastern, 0.016%; no homozygotes.

Submission:

Labcorp Genetics (formerly Invitae), Labcorp
Classification: Uncertain significance for Amyotrophic lateral sclerosis type 1; Neuronopathy, distal hereditary motor, type 7B; Perry syndrome. Last evaluated: 2023-03-26. Review status: criteria provided, single submitter. Criteria: Invitae Variant Classification Sherloc (09022015). Collection method: clinical testing. Allele origin: germline.
Comment: This variant is present in population databases (rs747334304, gnomAD 0.0009%). In summary, the available evidence is currently insufficient to determine the role of this variant in disease. Therefore, it has been classified as a Variant of Uncertain Significance. An algorithm developed to predict the effect of missense changes on protein structure and function (PolyPhen-2) suggests that this variant is likely to be tolerated. This variant has not been reported in the literature in individuals affected with DCTN1-related conditions. This sequence change replaces arginine, which is basic and polar, with glutamine, which is neutral and polar, at codon 1070 of the DCTN1 protein (p.Arg1070Gln).